The following is an entry in ClinVar:

NM_153240.5(NPHP3):c.469del (p.Arg157fs)

Genes: NPHP3 (nephrocystin 3; minus strand), NPHP3-ACAD11 (NPHP3-ACAD11 readthrough (NMD candidate); minus strand). Cytogenetic location: 3q22.1.
Variant type: Deletion.
Coding change: c.469del on transcript NM_153240.5 (MANE Select); coding-DNA position 469, one base deleted (A; older notation c.469delA).
Protein change: p.Arg157fs; shifts the reading frame from arginine 157.
Molecular consequence: frameshift variant. On other transcripts: non-coding transcript variant (1).
Genome position (GRCh38, 1-based): chr3:132,719,755, T deleted on the plus strand (A on the coding strand, the reverse complement: NPHP3 is on the minus strand). VCF-style (leftmost placement, unchanged base first): chr3-132719754-CT-C. GRCh37 (hg19) VCF-style: chr3-132438598-CT-C.
Other names: c.469delA (NM_153240.4); short protein forms R157fs.
Identifiers: ClinVar variation 1454636 (VCV001454636.11), dbSNP rs773760404, ClinGen allele CA2622600.

ClinVar aggregate classification (germline): Pathogenic/Likely pathogenic. Review status: criteria provided, multiple submitters, no conflicts (2 of 4 stars). 5 submissions from 5 submitters: Pathogenic (2); Likely pathogenic (2). 1 of the submissions does not count toward it. Last evaluated 2024-05-13.

Conditions:
Nephronophthisis. Also called: Juvenile Nephronophthisis. Identifiers: Orphanet 655, MedGen C0687120, MONDO:0019005, HP:0000090.
Nephronophthisis 3 (NPHP3). Also called: Adolescent nephronophthisis. Identifiers: Orphanet 655, MedGen C1858392, MONDO:0011456, OMIM 604387.
Renal-hepatic-pancreatic dysplasia 1 (RHPD1). Identifiers: MedGen C3715199, MONDO:0008833, OMIM 208540.
NPHP3-related Meckel-like syndrome. Also called: GOLDSTON SYNDROME; Meckel syndrome type 7. Identifiers: Orphanet 3032, MedGen C2673885, MONDO:0009966, OMIM 267010.
NPHP3-related disorder. Also called: NPHP3-related condition; NPHP3-related disorders. Identifiers: MedGen CN379163.

Allele frequency attached by ClinVar (database versions not stated): gnomAD exomes below 0.00001; ExAC 0.00001; TOPMed 0.00001; gnomAD 0.00002.

Submissions (5):

Fulgent Genetics
Classification: Likely pathogenic for Renal-hepatic-pancreatic dysplasia 1; NPHP3-related Meckel-like syndrome; Nephronophthisis 3. Last evaluated: 2024-05-13. Review status: criteria provided, single submitter. Criteria: ACMG Guidelines, 2015. Collection method: clinical testing. Allele origin: germline.

Johns Hopkins Genomics, Johns Hopkins University
Classification: Pathogenic for NPHP3-related Meckel-like syndrome. Last evaluated: 2023-10-06. Review status: criteria provided, single submitter. Criteria: ACMG Guidelines, 2015. Collection method: clinical testing. Allele origin: germline.
Comment: This NPHP3 variant (rs773760404) is rare (<0.1%) in a large population dataset (gnomAD v3.1.2: 3/151942 total alleles; 0.002%; no homozygotes). It has been reported in ClinVar (Variation ID 1454636), but has not been reported in the literature, to our knowledge. This frameshift variant results in a premature stop codon in exon 3 of 27, likely leading to nonsense-mediated decay and lack of protein production. We consider c.469del in NPHP3 to be pathogenic.

Labcorp Genetics (formerly Invitae), Labcorp
Classification: Pathogenic for Nephronophthisis. Last evaluated: 2021-10-31. Review status: criteria provided, single submitter. Criteria: Invitae Variant Classification Sherloc (09022015). Collection method: clinical testing. Allele origin: germline.
Comment: For these reasons, this variant has been classified as Pathogenic. This variant has not been reported in the literature in individuals affected with NPHP3-related conditions. This variant is present in population databases (rs773760404, gnomAD 0.03%). This sequence change creates a premature translational stop signal (p.Arg157Glufs*31) in the NPHP3 gene. It is expected to result in an absent or disrupted protein product. Loss-of-function variants in NPHP3 are known to be pathogenic (PMID: 18371931, 23559409).

Blueprint Genetics
Classification: Likely pathogenic for NPHP3-related disorders. Last evaluated: 2017-07-11. Review status: criteria provided, single submitter. Criteria: ACMG Guidelines, 2015. Collection method: clinical testing. Allele origin: germline. Affected: yes. Observed: 1 variant allele.

PreventionGenetics, part of Exact Sciences
Classification: Likely pathogenic for NPHP3-related condition. Last evaluated: 2024-04-19. Review status: no assertion criteria provided. Collection method: clinical testing. Allele origin: germline. Not counted in ClinVar's aggregate classification.
Comment: The NPHP3 c.469delA variant is predicted to result in a frameshift and premature protein termination (p.Arg157Glufs*31). This variant has been reported in a cohort study about retinal diseases (Hanany et al. 2020. PubMed ID: 31964843. Table S3). This variant is reported in 0.00089% of alleles in individuals of European (Non-Finnish) descent in gnomAD. Frameshift variants in NPHP3 are expected to be pathogenic. This variant is interpreted as likely pathogenic.

Literature cited by the submitters: PubMed 18371931 (cited by Labcorp Genetics (formerly Invitae), Labcorp); PubMed 23559409 (cited by Labcorp Genetics (formerly Invitae), Labcorp).